The following is an entry in ClinVar:

NM_000238.4(KCNH2):c.2823T>C (p.Ser941=)

Gene: KCNH2 (potassium voltage-gated channel subfamily H member 2; minus strand). Cytogenetic location: 7q36.1.
Variant type: single nucleotide variant.
Coding change: c.2823T>C on transcript NM_000238.4 (MANE Select); coding-DNA position 2823, T replaced by C.
Protein change: p.Ser941=; no amino-acid change (serine 941 retained).
Molecular consequence: synonymous variant.
Genome position (GRCh38, 1-based): chr7:150,947,748, A>G on the plus strand (T>C on the coding strand, the complement: KCNH2 is on the minus strand). VCF-style: chr7-150947748-A-G. GRCh37 (hg19) VCF-style: chr7-150644836-A-G.
Other names: c.1803T>C, p.Ser601= (NM_172057.3).
Identifiers: ClinVar variation 629517 (VCV000629517.12), dbSNP rs1449358173, ClinGen allele CA458871051.

ClinVar aggregate classification (germline): Likely benign. Review status: criteria provided, multiple submitters, no conflicts (2 of 4 stars). 4 submissions from 4 submitters: Likely benign (4). Last evaluated 2025-11-09.

Conditions:
Long QT syndrome (LQTS). Identifiers: MedGen C0023976, MeSH D008133, MONDO:0002442. Disease mechanism: loss of function. Inheritance: Various modes of inheritance.
Cardiovascular phenotype. Identifiers: MedGen CN230736.
Cardiac arrhythmia. Also called: Arrhythmia; Cardiac rhythm disease. Identifiers: MedGen C0003811, MONDO:0007263, HP:0011675.

Allele frequency attached by ClinVar (database versions not stated): gnomAD 0.00001; gnomAD exomes 0.00001; TOPMed 0.00001.
gnomAD v4.1: 19 of 1,549,506 alleles (0.0012%); highest among the groups gnomAD compares: Non-Finnish European, 0.0016%; no homozygotes.

Submissions (4):

Labcorp Genetics (formerly Invitae), Labcorp
Classification: Likely benign for Long QT syndrome. Last evaluated: 2025-11-09. Review status: criteria provided, single submitter. Criteria: Invitae Variant Classification Sherloc (09022015). Collection method: clinical testing. Allele origin: germline.

All of Us Research Program, National Institutes of Health
Classification: Likely benign for Long QT syndrome. Last evaluated: 2023-05-16. Review status: criteria provided, single submitter. Criteria: ACMG Guidelines, 2015. Collection method: clinical testing. Allele origin: germline. Inheritance: Autosomal dominant inheritance. Observed: 1 variant allele, 1 heterozygote.
Comment: This study involves interpretation of variants in research participants for the purpose of population health screening. Participant phenotype was not available at the time of variant classification. Additional details can be found in publication PMID: 35346344, PMCID: PMC8962531

Ambry Genetics
Classification: Likely benign for Cardiovascular phenotype. Last evaluated: 2020-03-26. Review status: criteria provided, single submitter. Criteria: Ambry Variant Classification Scheme 2023. Collection method: clinical testing. Allele origin: germline.

Color Diagnostics, LLC DBA Color Health
Classification: Likely benign for Arrhythmia. Last evaluated: 2018-10-15. Review status: criteria provided, single submitter. Criteria: ACMG Guidelines, 2015. Collection method: clinical testing. Allele origin: germline.